The following is an entry in ClinVar:

ClinVar aggregate classification (germline): Conflicting classifications of pathogenicity. Review status: criteria provided, conflicting classifications (1 of 4 stars). 7 submissions from 7 submitters: Uncertain significance (3); Likely benign (3). 1 of the submissions does not count toward it. Last evaluated 2026-07-08.

Conditions:
TSFM-related disorder. Also called: TSFM-related condition.
Fatal mitochondrial disease due to combined oxidative phosphorylation defect type 3. Also called: Combined oxidative phosphorylation deficiency 3; ENCEPHALOMYOPATHY, RESPIRATORY FAILURE, AND LACTIC ACIDOSIS. Identifiers: Orphanet 168566, MedGen C1864840, MONDO:0012512, OMIM 610505.

Allele frequency attached by ClinVar (database versions not stated): gnomAD exomes 0.00015; ExAC 0.00024; gnomAD 0.00045; ESP Exome Variant Server 0.00054; 1000 Genomes Project 30x 0.00094; TOPMed 0.00064; 1000 Genomes Project 0.00080.
gnomAD v4.1: 165 of 1,613,732 alleles (0.01%); highest among the groups gnomAD compares: African/African-American, 0.19%; 1 homozygote.

Submissions (7):

PreventionGenetics, part of Exact Sciences
Classification: Likely benign for TSFM-related condition. Last evaluated: 2026-07-08. Review status: criteria provided, single submitter. Criteria: ACMG Guidelines, 2015. Collection method: clinical testing. Allele origin: germline.
Comment: This variant is classified as likely benign based on ACMG/AMP sequence variant interpretation guidelines (Richards et al. 2015 PMID: 25741868, with internal and published modifications).

Labcorp Genetics (formerly Invitae), Labcorp
Classification: Likely benign. Last evaluated: 2026-01-28. Review status: criteria provided, single submitter. Criteria: Invitae Variant Classification Sherloc (09022015). Collection method: clinical testing. Allele origin: germline.

Mayo Clinic Laboratories, Mayo Clinic
Classification: Likely benign. Last evaluated: 2025-04-23. Review status: criteria provided, single submitter. Criteria: ACMG Guidelines, 2015. Collection method: clinical testing. Allele origin: germline. Observed: 2 variant alleles.
Comment: BS1, BP4

GeneDx
Classification: Uncertain significance. Last evaluated: 2021-10-15. Review status: criteria provided, single submitter. Criteria: GeneDx Variant Classification Process June 2021. Collection method: clinical testing. Allele origin: germline. Affected: yes.
Comment: Has not been previously published as pathogenic or benign to our knowledge; In silico analysis supports that this missense variant does not alter protein structure/function

Illumina Laboratory Services, Illumina
Classification: Uncertain significance for Fatal mitochondrial disease due to combined oxidative phosphorylation defect type 3. Last evaluated: 2018-01-13. Review status: criteria provided, single submitter. Criteria: ICSL Variant Classification Criteria 13 December 2019. Collection method: clinical testing. Allele origin: germline.

Center for Pediatric Genomic Medicine, Children's Mercy Hospital and Clinics
Classification: Uncertain significance. Last evaluated: 2016-04-25. Review status: criteria provided, single submitter. Criteria: ACMG Guidelines, 2015. Collection method: clinical testing. Allele origin: germline.
ClinVar note: Converted during submission from Uncertain Significance to Uncertain significance.

Natera, Inc.
Classification: Likely benign for Combined oxidative phosphorylation deficiency 3. Last evaluated: 2020-05-19. Review status: no assertion criteria provided. Collection method: clinical testing. Allele origin: germline. Not counted in ClinVar's aggregate classification.

NM_005726.6(TSFM):c.539G>C (p.Gly180Ala)

Gene: TSFM (Ts translation elongation factor, mitochondrial; plus strand). Cytogenetic location: 12q14.1.
Variant type: single nucleotide variant.
Coding change: c.539G>C on transcript NM_005726.6 (MANE Select); coding-DNA position 539, G replaced by C.
Protein change: p.Gly180Ala; replaces glycine 180 with alanine.
Molecular consequence: missense variant. On other transcripts: intron variant (1).
Genome position (GRCh38, 1-based): chr12:57,793,041, G>C. VCF-style: chr12-57793041-G-C. GRCh37 (hg19) VCF-style: chr12-58186824-G-C.
Other names: p.Gly201Ala; c.539G>C, p.Gly180Ala (NM_001172697.2); c.484-3136G>C (NM_001172695.2); c.602G>C, p.Gly201Ala (NM_001172696.2); short protein forms G201A, G180A.
Identifiers: ClinVar variation 310016 (VCV000310016.22), dbSNP rs138534976, ClinGen allele CA6659388.